The following is an entry in ClinVar:

ClinVar aggregate classification (germline): Uncertain significance (1 of 4 stars; one submission).

Conditions:
Facioscapulohumeral muscular dystrophy 2 (FSHD2). Also called: MUSCULAR DYSTROPHY, FACIOSCAPULOHUMERAL, TYPE 1B; FACIOSCAPULOHUMERAL MUSCULAR DYSTROPHY 2, DIGENIC; FSHD2, DIGENIC. Identifiers: Orphanet 269, MedGen C1834671, MONDO:0008031, OMIM 158901.

Submission:

Labcorp Genetics (formerly Invitae), Labcorp
Classification: Uncertain significance for Facioscapulohumeral muscular dystrophy 2. Last evaluated: 2025-07-27. Review status: criteria provided, single submitter. Criteria: Invitae Variant Classification Sherloc (09022015). Collection method: clinical testing. Allele origin: germline.
Comment: This sequence change affects codon 1140 of the SMCHD1 mRNA. It is a 'silent' change, meaning that it does not change the encoded amino acid sequence of the SMCHD1 protein. This variant is not present in population databases (gnomAD no frequency). This variant has not been reported in the literature in individuals affected with SMCHD1-related conditions. Algorithms developed to predict the effect of sequence changes on RNA splicing suggest that this variant may disrupt the consensus splice site. In summary, the available evidence is currently insufficient to determine the role of this variant in disease. Therefore, it has been classified as a Variant of Uncertain Significance.

NM_015295.3(SMCHD1):c.3420A>G (p.Thr1140=)

Gene: SMCHD1 (structural maintenance of chromosomes flexible hinge domain containing 1; plus strand). Cytogenetic location: 18p11.32.
Variant type: single nucleotide variant.
Coding change: c.3420A>G on transcript NM_015295.3 (MANE Select); coding-DNA position 3420, A replaced by G.
Protein change: p.Thr1140=; no amino-acid change (threonine 1140 retained).
Molecular consequence: synonymous variant.
Genome position (GRCh38, 1-based): chr18:2,738,540, A>G. VCF-style: chr18-2738540-A-G. GRCh37 (hg19) VCF-style: chr18-2738538-A-G.
Identifiers: ClinVar variation 4769252 (VCV004769252.1).
Genomic context (GRCh38, chr18:2,738,540, plus strand): 5'-TATGCGCTATTGCCAGGTTTCATTCCAAGATGATCATGTGTCTTTGGAAAGTGCGTTTAC[A>G]GTAAGGTTTGTGGACTCATTATATTTTGCAGCCTATGGCAACAAAATACTGTCCTCCATT-3'
Protein context (NP_056110.2, residues 1130-1150): DDHVSLESAF[Thr1140=]VRPLPDEPKH